The following is an entry in ClinVar:

NM_004415.4(DSP):c.7048T>G (p.Leu2350Val)

Gene: DSP (desmoplakin; plus strand). Cytogenetic location: 6p24.3.
Variant type: single nucleotide variant.
Coding change: c.7048T>G on transcript NM_004415.4 (MANE Select); coding-DNA position 7048, T replaced by G.
Protein change: p.Leu2350Val; replaces leucine 2350 with valine.
Molecular consequence: missense variant.
Genome position (GRCh38, 1-based): chr6:7,584,310, T>G. VCF-style: chr6-7584310-T-G. GRCh37 (hg19) VCF-style: chr6-7584543-T-G.
Other names: c.5251T>G, p.Leu1751Val (NM_001008844.3); c.5719T>G, p.Leu1907Val (NM_001319034.2); short protein forms L1751V, L1907V, L2350V.
Identifiers: ClinVar variation 3753418 (VCV003753418.2).

ClinVar aggregate classification (germline): Uncertain significance (1 of 4 stars; one submission).

Conditions:
Arrhythmogenic cardiomyopathy with wooly hair and keratoderma. Also called: Dilated cardiomyopathy with woolly hair and keratoderma; PALMOPLANTAR KERATODERMA WITH LEFT VENTRICULAR CARDIOMYOPATHY AND WOOLLY HAIR; Carvajal syndrome; Arrhythmogenic cardiomyopathy with woolly hair and keratoderma. Identifiers: Orphanet 65282, MedGen C1854063, MONDO:0011581, OMIM 605676.
Arrhythmogenic right ventricular dysplasia 8 (ARVD8). Also called: Arrhythmogenic Right Ventricular Dysplasia/Cardiomyopathy 8; ARRHYTHMOGENIC RIGHT VENTRICULAR DYSPLASIA, FAMILIAL, 8; ARRHYTHMOGENIC RIGHT VENTRICULAR CARDIOMYOPATHY 8. Identifiers: MedGen C1843896, MONDO:0011831, OMIM 607450.

Submission:

Labcorp Genetics (formerly Invitae), Labcorp
Classification: Uncertain significance for Arrhythmogenic cardiomyopathy with wooly hair and keratoderma; Arrhythmogenic right ventricular dysplasia 8. Last evaluated: 2024-04-22. Review status: criteria provided, single submitter. Criteria: Invitae Variant Classification Sherloc (09022015). Collection method: clinical testing. Allele origin: germline.
Comment: This sequence change replaces leucine, which is neutral and non-polar, with valine, which is neutral and non-polar, at codon 2350 of the DSP protein (p.Leu2350Val). This variant is not present in population databases (gnomAD no frequency). This variant has not been reported in the literature in individuals affected with DSP-related conditions. An algorithm developed to predict the effect of missense changes on protein structure and function (PolyPhen-2) suggests that this variant is likely to be disruptive. In summary, the available evidence is currently insufficient to determine the role of this variant in disease. Therefore, it has been classified as a Variant of Uncertain Significance.